The following is an entry in ClinVar:

NM_182961.4(SYNE1):c.16204G>A (p.Glu5402Lys)

Gene: SYNE1 (spectrin repeat containing nuclear envelope protein 1; minus strand). Cytogenetic location: 6q25.2.
Variant type: single nucleotide variant.
Coding change: c.16204G>A on transcript NM_182961.4 (MANE Select); coding-DNA position 16204, G replaced by A.
Protein change: p.Glu5402Lys; replaces glutamic acid 5402 with lysine.
Molecular consequence: missense variant.
Genome position (GRCh38, 1-based): chr6:152,321,270, C>T on the plus strand (G>A on the coding strand, the complement: SYNE1 is on the minus strand). VCF-style: chr6-152321270-C-T. GRCh37 (hg19) VCF-style: chr6-152642405-C-T.
Other names: c.15991G>A, p.Glu5331Lys (NM_033071.5); short protein forms E5331K, E5402K.
Identifiers: ClinVar variation 1412536 (VCV001412536.8), dbSNP rs1320150804, ClinGen allele CA366116697.

ClinVar aggregate classification (germline): Uncertain significance (1 of 4 stars; one submission).

Conditions:
Emery-Dreifuss muscular dystrophy 4, autosomal dominant (EDMD4). Also called: EMERY-DREIFUSS MUSCULAR DYSTROPHY 4 WITH VARIABLE FEATURES. Identifiers: Orphanet 261, MedGen C2751807, MONDO:0013071, OMIM 612998.
Autosomal recessive ataxia, Beauce type. Also called: Spinocerebellar ataxia, autosomal recessive 8; ATAXIA, RECESSIVE, OF BEAUCE; SYNE1 Deficiency; SYNE1-Related Autosomal Recessive Cerebellar Ataxia. Identifiers: Orphanet 88644, MedGen C1853116, MONDO:0012549, OMIM 610743.

Allele frequency attached by ClinVar (database versions not stated): TOPMed below 0.00001.

Submission:

Labcorp Genetics (formerly Invitae), Labcorp
Classification: Uncertain significance for Emery-Dreifuss muscular dystrophy 4, autosomal dominant; Autosomal recessive ataxia, Beauce type. Last evaluated: 2025-07-07. Review status: criteria provided, single submitter. Criteria: Invitae Variant Classification Sherloc (09022015). Collection method: clinical testing. Allele origin: germline.
Comment: This sequence change replaces glutamic acid, which is acidic and polar, with lysine, which is basic and polar, at codon 5331 of the SYNE1 protein (p.Glu5331Lys). This variant is not present in population databases (gnomAD no frequency). This variant has not been reported in the literature in individuals affected with SYNE1-related conditions. ClinVar contains an entry for this variant (Variation ID: 1412536). An algorithm developed to predict the effect of missense changes on protein structure and function (PolyPhen-2) suggests that this variant is likely to be disruptive. In summary, the available evidence is currently insufficient to determine the role of this variant in disease. Therefore, it has been classified as a Variant of Uncertain Significance.